The following is an entry in ClinVar:

NM_153717.3(EVC):c.939+224C>T

Gene: EVC (EvC ciliary complex subunit 1; plus strand). Cytogenetic location: 4p16.2.
Variant type: single nucleotide variant.
Coding change: c.939+224C>T on transcript NM_153717.3 (MANE Select); 224 bases into the intron after coding-DNA position 939, C replaced by T.
Molecular consequence: intron variant.
Genome position (GRCh38, 1-based): chr4:5,745,565, C>T. VCF-style: chr4-5745565-C-T. GRCh37 (hg19) VCF-style: chr4-5747292-C-T.
Other names: c.939+224C>T (NM_001306090.2, NM_001306092.2).
Identifiers: ClinVar variation 667835 (VCV000667835.1), dbSNP rs1001180, ClinGen allele CA15312149.
Genomic context (GRCh38, chr4:5,745,565, plus strand): 5'-AGAAGTAATTAAGCAGCAAAGATTCACAAAGGGAGGTTTATTTTTTATATCATGAATTAT[C>T]CTCATTTAAATTTCAGATTGGTCTTTTTATCATTCAAAGCAAAGGTTGCTATAACCCTTG-3'

ClinVar aggregate classification (germline): Benign (1 of 4 stars; one submission).

Allele frequency attached by ClinVar (database versions not stated): 1000 Genomes Project 30x 0.48751; 1000 Genomes Project 0.49281; TOPMed 0.54432; gnomAD 0.55838 and 0.56133.
gnomAD v4.1: 84,853 of 152,052 alleles (56%); highest among the groups gnomAD compares: Non-Finnish European, 62%; 24,077 homozygotes.

Submission:

GeneDx
Classification: Benign. Last evaluated: 2018-06-14. Review status: criteria provided, single submitter. Criteria: GeneDx Variant Classification (06012015). Collection method: clinical testing. Allele origin: germline. Affected: yes.
Comment: This variant is considered likely benign or benign based on one or more of the following criteria: it is a conservative change, it occurs at a poorly conserved position in the protein, it is predicted to be benign by multiple in silico algorithms, and/or has population frequency not consistent with disease.